The following is an entry in ClinVar:

ClinVar aggregate classification (germline): Benign. Review status: criteria provided, multiple submitters, no conflicts (2 of 4 stars). 13 submissions from 13 submitters: Benign (9). 4 of the submissions do not count toward it. Last evaluated 2026-02-04.

Conditions:
Hereditary insensitivity to pain with anhidrosis (CIPA). Also called: FAMILIAL DYSAUTONOMIA, TYPE II; NTRK1 Congenital Insensitivity to Pain with Anhidrosis; NEUROPATHY, CONGENITAL SENSORY, WITH ANHIDROSIS; hereditary sensory and autonomic neuropathy type 4; INSENSITIVITY TO PAIN, CONGENITAL, WITH ANHIDROSIS; HSAN Type IV. Identifiers: Orphanet 642, MedGen C0020074, MONDO:0009746, OMIM 256800.

Allele frequency attached by ClinVar (database versions not stated): ESP Exome Variant Server 0.19360; gnomAD 0.19892; TOPMed 0.19968; 1000 Genomes Project 30x 0.21143; 1000 Genomes Project 0.21286.
gnomAD v4.1: 353,449 of 1,613,668 alleles (22%); highest among the groups gnomAD compares: East Asian, 35%; 39,747 homozygotes.

Submissions (25):

Labcorp Genetics (formerly Invitae), Labcorp
Classification: Benign for Hereditary insensitivity to pain with anhidrosis. Last evaluated: 2026-02-04. Review status: criteria provided, single submitter. Criteria: Invitae Variant Classification Sherloc (09022015). Collection method: clinical testing. Allele origin: germline.

Blueprint Genetics
Classification: Benign. Last evaluated: 2024-11-26. Review status: criteria provided, single submitter. Criteria: ACMG Guidelines, 2015. Collection method: clinical testing. Allele origin: germline.

KCCC/NGS Laboratory, Kuwait Cancer Control Center
Classification: Benign for Hereditary insensitivity to pain with anhidrosis. Last evaluated: 2023-07-07. Review status: criteria provided, single submitter. Criteria: ACMG Guidelines, 2015. Collection method: clinical testing. Allele origin: germline. Affected: yes.

Genome-Nilou Lab
Classification: Benign for Hereditary insensitivity to pain with anhidrosis. Last evaluated: 2021-07-01. Review status: criteria provided, single submitter. Criteria: ACMG Guidelines, 2015. Collection method: clinical testing. Allele origin: germline. Affected: no.

Illumina Laboratory Services, Illumina
Classification: Benign for Hereditary insensitivity to pain with anhidrosis. Last evaluated: 2018-01-13. Review status: criteria provided, single submitter. Criteria: ICSL Variant Classification Criteria 13 December 2019. Collection method: clinical testing. Allele origin: germline.
Comment: This variant was observed in the ICSL laboratory as part of a predisposition screen in an ostensibly healthy population. It had not been previously curated by ICSL or reported in the Human Gene Mutation Database (HGMD: prior to June 1st, 2018), and was therefore a candidate for classification through an automated scoring system. Utilizing variant allele frequency, disease prevalence and penetrance estimates, and inheritance mode, an automated score was calculated to assess if this variant is too frequent to cause the disease. Based on the score and internal cut-off values, a variant classified as benign is not then subjected to further curation. The score for this variant resulted in a classification of benign for this disease.

Athena Diagnostics
Classification: Benign. Last evaluated: 2017-07-28. Review status: criteria provided, single submitter. Criteria: Athena Diagnostics Criteria. Collection method: clinical testing. Allele origin: germline.

Mayo Clinic Laboratories, Mayo Clinic
Classification: Benign. Last evaluated: 2015-10-22. Review status: criteria provided, single submitter. Criteria: ACMG Guidelines, 2015. Collection method: clinical testing. Allele origin: germline. Observed: 627 variant alleles.

GeneDx
Classification: Benign. Last evaluated: 2015-03-03. Review status: criteria provided, single submitter. Criteria: GeneDx Variant Classification Process June 2021. Collection method: clinical testing. Allele origin: germline. Affected: yes.

Breakthrough Genomics
Classification: Benign. Review status: criteria provided, single submitter. Criteria: ACMG Guidelines, 2015. Collection method: not provided. Allele origin: germline. Inheritance: Autosomal recessive inheritance. Affected: yes.

Natera, Inc.
Classification: Benign for Hereditary insensitivity to pain with anhidrosis. Last evaluated: 2020-09-16. Review status: no assertion criteria provided. Collection method: clinical testing. Allele origin: germline. Not counted in ClinVar's aggregate classification.

Clinical Genetics, Academic Medical Center
Classification: Benign. Review status: no assertion criteria provided. Collection method: clinical testing. Allele origin: germline. Affected: yes. Study: VKGL Data-share Consensus. Not counted in ClinVar's aggregate classification.

Diagnostic Laboratory, Department of Genetics, University Medical Center Groningen
Classification: Benign. Review status: no assertion criteria provided. Collection method: clinical testing. Allele origin: germline. Affected: yes. Study: VKGL Data-share Consensus. Not counted in ClinVar's aggregate classification.

Dr. Peter K. Rogan Lab, Western University
No classification provided (evidence only). Condition: Uterine carcinosarcoma. Review status: no classification provided. Collection method: in vitro. Allele origin: not applicable. Functional consequence: retained intron. Not counted in ClinVar's aggregate classification.

Dr. Peter K. Rogan Lab, Western University
No classification provided (evidence only). Condition: Uterine carcinosarcoma. Review status: no classification provided. Collection method: in vitro. Allele origin: not applicable. Functional consequence: retained intron. Not counted in ClinVar's aggregate classification.

Dr. Peter K. Rogan Lab, Western University
No classification provided (evidence only). Condition: Uterine carcinosarcoma. Review status: no classification provided. Collection method: in vitro. Allele origin: not applicable. Functional consequence: retained intron. Not counted in ClinVar's aggregate classification.

Dr. Peter K. Rogan Lab, Western University
No classification provided (evidence only). Condition: Uterine carcinosarcoma. Review status: no classification provided. Collection method: in vitro. Allele origin: not applicable. Functional consequence: retained intron. Not counted in ClinVar's aggregate classification.

Dr. Peter K. Rogan Lab, Western University
No classification provided (evidence only). Condition: Uterine carcinosarcoma. Review status: no classification provided. Collection method: in vitro. Allele origin: not applicable. Functional consequence: retained intron. Not counted in ClinVar's aggregate classification.

Dr. Peter K. Rogan Lab, Western University
No classification provided (evidence only). Condition: Uterine carcinosarcoma. Review status: no classification provided. Collection method: in vitro. Allele origin: not applicable. Functional consequence: retained intron. Not counted in ClinVar's aggregate classification.

Dr. Peter K. Rogan Lab, Western University
No classification provided (evidence only). Condition: Malignant lymphoma, large B-cell, diffuse. Review status: no classification provided. Collection method: in vitro. Allele origin: not applicable. Functional consequence: retained intron. Not counted in ClinVar's aggregate classification.

Dr. Peter K. Rogan Lab, Western University
No classification provided (evidence only). Condition: Malignant lymphoma, large B-cell, diffuse. Review status: no classification provided. Collection method: in vitro. Allele origin: not applicable. Functional consequence: retained intron. Not counted in ClinVar's aggregate classification.

Dr. Peter K. Rogan Lab, Western University
No classification provided (evidence only). Condition: Malignant lymphoma, large B-cell, diffuse. Review status: no classification provided. Collection method: in vitro. Allele origin: not applicable. Functional consequence: retained intron. Not counted in ClinVar's aggregate classification.

Dr. Peter K. Rogan Lab, Western University
No classification provided (evidence only). Condition: Malignant lymphoma, large B-cell, diffuse. Review status: no classification provided. Collection method: in vitro. Allele origin: not applicable. Functional consequence: retained intron. Not counted in ClinVar's aggregate classification.

Dr. Peter K. Rogan Lab, Western University
No classification provided (evidence only). Condition: Uterine carcinosarcoma. Review status: no classification provided. Collection method: in vitro. Allele origin: not applicable. Functional consequence: retained intron. Not counted in ClinVar's aggregate classification.

Dr. Peter K. Rogan Lab, Western University
No classification provided (evidence only). Condition: Uterine carcinosarcoma. Review status: no classification provided. Collection method: in vitro. Allele origin: not applicable. Functional consequence: retained intron. Not counted in ClinVar's aggregate classification.

Joint Genome Diagnostic Labs from Nijmegen and Maastricht, Radboudumc and MUMC+
Classification: Benign. Review status: no assertion criteria provided. Collection method: clinical testing. Allele origin: germline. Affected: yes. Study: VKGL Data-share Consensus. Not counted in ClinVar's aggregate classification.

NM_002529.4(NTRK1):c.1674G>A (p.Gln558=)

Gene: NTRK1 (neurotrophic receptor tyrosine kinase 1; plus strand). Cytogenetic location: 1q23.1.
Variant type: single nucleotide variant.
Coding change: c.1674G>A on transcript NM_002529.4 (MANE Select); coding-DNA position 1674, G replaced by A.
Protein change: p.Gln558=; no amino-acid change (glutamine 558 retained).
Molecular consequence: synonymous variant.
Genome position (GRCh38, 1-based): chr1:156,876,441, G>A. VCF-style: chr1-156876441-G-A. GRCh37 (hg19) VCF-style: chr1-156846233-G-A.
Other names: p.Gln552=; c.1566G>A, p.Gln522= (NM_001007792.1); c.1656G>A, p.Gln552= (NM_001012331.2).
Identifiers: ClinVar variation 292889 (VCV000292889.29), dbSNP rs6334, ClinGen allele CA1169435.
Genomic context (GRCh38, chr1:156,876,441, plus strand): 5'-CCCTGCCGCTTCCATCCAGGCACTGAAGGAGGCGTCCGAGAGTGCTCGGCAGGACTTCCA[G>A]CGTGAGGCTGAGCTGCTCACCATGCTGCAGCACCAGCACATCGTGCGCTTCTTCGGCGTC-3'
Protein context (NP_002520.2, residues 548-568): EASESARQDF[Gln558=]REAELLTMLQ